The following is an entry in ClinVar:

ClinVar aggregate classification (germline): Uncertain significance (1 of 4 stars; one submission).

Conditions:
Malignant hyperthermia, susceptibility to, 5 (MHS5). Also called: CACNA1S-Related Malignant Hyperthermia Susceptibility. Identifiers: Orphanet 423, MedGen C1866077, MONDO:0011163, OMIM 601887.
Hypokalemic periodic paralysis, type 1. Also called: Hypokalemic Periodic Paralysis Type 1 (AD); HypoPP. Identifiers: Orphanet 681, MedGen C3714580, MONDO:0042979, OMIM 170400.

Submission:

Labcorp Genetics (formerly Invitae), Labcorp
Classification: Uncertain significance for Hypokalemic periodic paralysis, type 1; Malignant hyperthermia, susceptibility to, 5. Last evaluated: 2022-02-19. Review status: criteria provided, single submitter. Criteria: Invitae Variant Classification Sherloc (09022015). Collection method: clinical testing. Allele origin: germline.
Comment: In summary, the available evidence is currently insufficient to determine the role of this variant in disease. Therefore, it has been classified as a Variant of Uncertain Significance. Advanced modeling of protein sequence and biophysical properties (such as structural, functional, and spatial information, amino acid conservation, physicochemical variation, residue mobility, and thermodynamic stability) performed at Invitae indicates that this missense variant is not expected to disrupt CACNA1S protein function. This variant has not been reported in the literature in individuals affected with CACNA1S-related conditions. This variant is not present in population databases (gnomAD no frequency). This sequence change replaces methionine, which is neutral and non-polar, with threonine, which is neutral and polar, at codon 1129 of the CACNA1S protein (p.Met1129Thr).

NM_000069.3(CACNA1S):c.3386T>C (p.Met1129Thr)

Gene: CACNA1S (calcium voltage-gated channel subunit alpha1 S; minus strand). Cytogenetic location: 1q32.1.
Variant type: single nucleotide variant.
Coding change: c.3386T>C on transcript NM_000069.3 (MANE Select); coding-DNA position 3386, T replaced by C.
Protein change: p.Met1129Thr; replaces methionine 1129 with threonine.
Molecular consequence: missense variant.
Genome position (GRCh38, 1-based): chr1:201,060,686, A>G on the plus strand (T>C on the coding strand, the complement: CACNA1S is on the minus strand). VCF-style: chr1-201060686-A-G. GRCh37 (hg19) VCF-style: chr1-201029814-A-G.
Other names: short protein forms M1129T.
Identifiers: ClinVar variation 2182679 (VCV002182679.4), dbSNP rs2464494590, ClinGen allele CA344160287.